The following is an entry in ClinVar:

NM_002878.4(RAD51D):c.800C>T (p.Ser267Phe)

Genes: RAD51L3-RFFL (RAD51L3-RFFL readthrough; minus strand), RAD51D (RAD51 paralog D; minus strand). Cytogenetic location: 17q12.
Variant type: single nucleotide variant.
Coding change: c.800C>T on transcript NM_002878.4 (MANE Select); coding-DNA position 800, C replaced by T.
Protein change: p.Ser267Phe; replaces serine 267 with phenylalanine.
Molecular consequence: missense variant. On other transcripts: non-coding transcript variant (3).
Genome position (GRCh38, 1-based): chr17:35,101,304, G>A on the plus strand (C>T on the coding strand, the complement: RAD51D is on the minus strand). VCF-style: chr17-35101304-G-A. GRCh37 (hg19) VCF-style: chr17-33428323-G-A.
Other names: c.860C>T, p.Ser287Phe (NM_001142571.2); c.464C>T, p.Ser155Phe (NM_133629.3); short protein forms S267F, S287F, S155F.
Identifiers: ClinVar variation 419184 (VCV000419184.15), dbSNP rs1064793702, ClinGen allele CA16620379.

ClinVar aggregate classification (germline): Uncertain significance. Review status: criteria provided, multiple submitters, no conflicts (2 of 4 stars). 4 submissions from 4 submitters: Uncertain significance (4). Last evaluated 2024-07-02.

Conditions:
Breast-ovarian cancer, familial, susceptibility to, 4. Identifiers: Orphanet 145, MedGen C3280345, MONDO:0013669, OMIM 614291.
Hereditary cancer-predisposing syndrome. Also called: Hereditary neoplastic syndrome; Tumor predisposition; Neoplastic Syndromes, Hereditary; Hereditary Cancer Syndrome. Identifiers: Orphanet 140162, MedGen C0027672, MeSH D009386, MONDO:0015356.

Submissions (4):

Labcorp Genetics (formerly Invitae), Labcorp
Classification: Uncertain significance for Breast-ovarian cancer, familial, susceptibility to, 4. Last evaluated: 2024-07-02. Review status: criteria provided, single submitter. Criteria: Invitae Variant Classification Sherloc (09022015). Collection method: clinical testing. Allele origin: germline.
Comment: This sequence change replaces serine, which is neutral and polar, with phenylalanine, which is neutral and non-polar, at codon 267 of the RAD51D protein (p.Ser267Phe). This variant is not present in population databases (gnomAD no frequency). This variant has not been reported in the literature in individuals affected with RAD51D-related conditions. ClinVar contains an entry for this variant (Variation ID: 419184). Advanced modeling of protein sequence and biophysical properties (such as structural, functional, and spatial information, amino acid conservation, physicochemical variation, residue mobility, and thermodynamic stability) performed at Invitae indicates that this missense variant is not expected to disrupt RAD51D protein function with a negative predictive value of 80%. In summary, the available evidence is currently insufficient to determine the role of this variant in disease. Therefore, it has been classified as a Variant of Uncertain Significance.

Ambry Genetics
Classification: Uncertain significance for Hereditary cancer-predisposing syndrome. Last evaluated: 2024-04-12. Review status: criteria provided, single submitter. Criteria: Ambry Variant Classification Scheme 2023. Collection method: clinical testing. Allele origin: germline.
Comment: The p.S267F variant (also known as c.800C>T), located in coding exon 9 of the RAD51D gene, results from a C to T substitution at nucleotide position 800. The serine at codon 267 is replaced by phenylalanine, an amino acid with highly dissimilar properties. This amino acid position is highly conserved in available vertebrate species. In addition, this alteration is predicted to be deleterious by in silico analysis. Since supporting evidence is limited at this time, the clinical significance of this alteration remains unclear.

Color Diagnostics, LLC DBA Color Health
Classification: Uncertain significance for Hereditary cancer-predisposing syndrome. Last evaluated: 2023-12-04. Review status: criteria provided, single submitter. Criteria: ACMG Guidelines, 2015. Collection method: clinical testing. Allele origin: germline.
Comment: This missense variant replaces serine with phenylalanine at codon 267 of the RAD51D protein. Computational prediction suggests that this variant may not impact protein structure and function (internally defined REVEL score threshold <= 0.5, PMID: 27666373). To our knowledge, functional studies have not been reported for this variant. This variant has not been reported in individuals affected with RAD51D-related disorders in the literature. This variant has not been identified in the general population by the Genome Aggregation Database (gnomAD). The available evidence is insufficient to determine the role of this variant in disease conclusively. Therefore, this variant is classified as a Variant of Uncertain Significance.

GeneDx
Classification: Uncertain significance. Last evaluated: 2023-08-02. Review status: criteria provided, single submitter. Criteria: GeneDx Variant Classification Process June 2021. Collection method: clinical testing. Allele origin: germline. Affected: yes.
Comment: Not observed at significant frequency in large population cohorts (gnomAD); In silico analysis supports that this missense variant has a deleterious effect on protein structure/function; Has not been previously published as pathogenic or benign to our knowledge; This variant is associated with the following publications: (PMID: 19327148, 21111057, 14704354)